The following is an entry in ClinVar:

NM_000321.3(RB1):c.1563_1568del (p.Asn522_Leu523del)

Gene: RB1 (RB transcriptional corepressor 1; plus strand). Cytogenetic location: 13q14.2.
Variant type: Deletion.
Coding change: c.1563_1568del on transcript NM_000321.3 (MANE Select); coding-DNA positions 1563 to 1568, 6 bases deleted (TAATTT; older notation c.1563_1568delTAATTT).
Protein change: p.Asn522_Leu523del.
Molecular consequence: inframe deletion.
Genome position (GRCh38, 1-based): chr13:48,381,311-48,381,316, TAATTT deleted; deleting any 6 consecutive bases within chr13:48,381,310-48,381,316 gives the same sequence; the c. name uses the placement nearest the transcript's 3' end. VCF-style (leftmost placement, unchanged base first): chr13-48381309-CTTAATT-C. GRCh37 (hg19) VCF-style: chr13-48955445-CTTAATT-C.
Other names: c.1563_1568del, p.Asn522_Leu523del (NM_001407165.1, NM_001407166.1).
Identifiers: ClinVar variation 4729993 (VCV004729993.1).

ClinVar aggregate classification (germline): Uncertain significance (1 of 4 stars; one submission).

Conditions:
Retinoblastoma (RB1). Also called: RETINOBLASTOMA, SOMATIC. Identifiers: Orphanet 790, MedGen C0035335, MeSH D012175, MONDO:0008380, OMIM 180200, HP:0009919. Disease mechanism: loss of function. Inheritance: Both sporadic and heritable forms are tested..

Submission:

Labcorp Genetics (formerly Invitae), Labcorp
Classification: Uncertain significance for Retinoblastoma. Last evaluated: 2025-10-27. Review status: criteria provided, single submitter. Criteria: Invitae Variant Classification Sherloc (09022015). Collection method: clinical testing. Allele origin: germline.
Comment: This variant, c.1563_1568del, results in the deletion of 2 amino acid(s) of the RB1 protein (p.Asn522_Leu523del), but otherwise preserves the integrity of the reading frame. This variant is not present in population databases (gnomAD no frequency). This variant has been observed in individual(s) with retinoblastoma (internal data). Experimental studies and prediction algorithms are not available or were not evaluated, and the functional significance of this variant is currently unknown. In summary, the available evidence is currently insufficient to determine the role of this variant in disease. Therefore, it has been classified as a Variant of Uncertain Significance.